The following is an entry in ClinVar:

NM_014714.4(IFT140):c.3269A>G (p.Lys1090Arg)

Gene: IFT140 (intraflagellar transport 140; minus strand). Cytogenetic location: 16p13.3.
Variant type: single nucleotide variant.
Coding change: c.3269A>G on transcript NM_014714.4 (MANE Select); coding-DNA position 3269, A replaced by G.
Protein change: p.Lys1090Arg; replaces lysine 1090 with arginine.
Molecular consequence: missense variant.
Genome position (GRCh38, 1-based): chr16:1,523,829, T>C on the plus strand (A>G on the coding strand, the complement: IFT140 is on the minus strand). VCF-style: chr16-1523829-T-C. GRCh37 (hg19) VCF-style: chr16-1573830-T-C.
Other names: c.3269A>G (NM_014714.3); short protein forms K1090R.
Identifiers: ClinVar variation 1017375 (VCV001017375.9), dbSNP rs1007805827, ClinGen allele CA394225541.

ClinVar aggregate classification (germline): Uncertain significance. Review status: criteria provided, multiple submitters, no conflicts (2 of 4 stars). 2 submissions from 2 submitters: Uncertain significance (2). Last evaluated 2026-05-11.

Conditions:
Inborn genetic diseases. Identifiers: MedGen C0950123, MeSH D030342.
Saldino-Mainzer syndrome (SRTD9). Also called: CONORENAL SYNDROME; Renal dysplasia, retinal pigmentary dystrophy, cerebellar ataxia and skeletal dysplasia; short-rib thoracic dysplasia 9 with or without polydactyly; SHORT-RIB THORACIC DYSPLASIA 9 WITHOUT POLYDACTYLY. Identifiers: Orphanet 140969, MedGen C1849437, MONDO:0009964, OMIM 266920.

Submissions (2):

Ambry Genetics
Classification: Uncertain significance for Inborn genetic diseases. Last evaluated: 2026-05-11. Review status: criteria provided, single submitter. Criteria: Ambry Variant Classification Scheme 2023. Collection method: clinical testing. Allele origin: germline.

Labcorp Genetics (formerly Invitae), Labcorp
Classification: Uncertain significance for Saldino-Mainzer syndrome. Last evaluated: 2020-03-25. Review status: criteria provided, single submitter. Criteria: Invitae Variant Classification Sherloc (09022015). Collection method: clinical testing. Allele origin: germline.
Comment: In summary, the available evidence is currently insufficient to determine the role of this variant in disease. Therefore, it has been classified as a Variant of Uncertain Significance. Algorithms developed to predict the effect of sequence changes on RNA splicing suggest that this variant may disrupt the consensus splice site, but this prediction has not been confirmed by published transcriptional studies. Algorithms developed to predict the effect of missense changes on protein structure and function are either unavailable or do not agree on the potential impact of this missense change (SIFT: "Tolerated"; PolyPhen-2: "Possibly Damaging"; Align-GVGD: "Class C0"). This variant has not been reported in the literature in individuals with IFT140-related conditions. This variant is not present in population databases (ExAC no frequency). This sequence change replaces lysine with arginine at codon 1090 of the IFT140 protein (p.Lys1090Arg). The lysine residue is moderately conserved and there is a small physicochemical difference between lysine and arginine.